The following is an entry in ClinVar:

NM_006073.4(TRDN):c.2014+5G>A

Gene: TRDN (triadin; minus strand). Cytogenetic location: 6q22.31.
Variant type: single nucleotide variant.
Coding change: c.2014+5G>A on transcript NM_006073.4 (MANE Select); 5 bases into the intron after coding-DNA position 2014, G replaced by A.
Molecular consequence: intron variant.
Genome position (GRCh38, 1-based): chr6:123,224,088, C>T on the plus strand (G>A on the coding strand, the complement: TRDN is on the minus strand). VCF-style: chr6-123224088-C-T. GRCh37 (hg19) VCF-style: chr6-123545233-C-T.
Identifiers: ClinVar variation 3461005 (VCV003461005.1).

ClinVar aggregate classification (germline): Uncertain significance (1 of 4 stars; one submission).

Conditions:
Cardiovascular phenotype. Identifiers: MedGen CN230736.

gnomAD v4.1: 2 of 1,608,398 alleles (0.00012%); highest among the groups gnomAD compares: Admixed American, 0.0034%; no homozygotes.

Submission:

Ambry Genetics
Classification: Uncertain significance for Cardiovascular phenotype. Last evaluated: 2024-11-12. Review status: criteria provided, single submitter. Criteria: Ambry Variant Classification Scheme 2023. Collection method: clinical testing. Allele origin: germline.
Comment: The c.2014+5G>A intronic variant results from a G to A substitution 5 nucleotides after coding exon 39 in the TRDN gene. This nucleotide position is well conserved in available vertebrate species. In silico splice site analysis predicts that this alteration may weaken the native splice donor site. Based on the available evidence, the clinical significance of this variant remains unclear.